The following is an entry in ClinVar:

ClinVar aggregate classification (germline): Uncertain significance. Review status: criteria provided, multiple submitters, no conflicts (2 of 4 stars). 2 submissions from 2 submitters: Uncertain significance (2). Last evaluated 2025-11-08.

Conditions:
Inborn genetic diseases. Identifiers: MedGen C0950123, MeSH D030342.
Baller-Gerold syndrome (BGS). Also called: CRANIOSYNOSTOSIS WITH RADIAL DEFECTS. Identifiers: Orphanet 1225, MedGen C0265308, MONDO:0009039, OMIM 218600.

gnomAD v4.1: 2 of 1,576,986 alleles (0.00013%); no homozygotes.

Submissions (2):

Ambry Genetics
Classification: Uncertain significance for Inborn genetic diseases. Last evaluated: 2025-11-08. Review status: criteria provided, single submitter. Criteria: Ambry Variant Classification Scheme 2023. Collection method: clinical testing. Allele origin: germline.
Comment: The p.D651N variant (also known as c.1951G>A), located in coding exon 12 of the RECQL4 gene, results from a G to A substitution at nucleotide position 1951. The aspartic acid at codon 651 is replaced by asparagine, an amino acid with highly similar properties. This amino acid position is conserved. In addition, the in silico prediction for this alteration is inconclusive. Based on the available evidence, the clinical significance of this variant remains unclear.

Labcorp Genetics (formerly Invitae), Labcorp
Classification: Uncertain significance for Baller-Gerold syndrome. Last evaluated: 2025-07-29. Review status: criteria provided, single submitter. Criteria: Invitae Variant Classification Sherloc (09022015). Collection method: clinical testing. Allele origin: germline.
Comment: This sequence change replaces aspartic acid, which is acidic and polar, with asparagine, which is neutral and polar, at codon 651 of the RECQL4 protein (p.Asp651Asn). This variant is not present in population databases (gnomAD no frequency). This variant has not been reported in the literature in individuals affected with RECQL4-related conditions. ClinVar contains an entry for this variant (Variation ID: 2138784). Invitae Evidence Modeling of protein sequence and biophysical properties (such as structural, functional, and spatial information, amino acid conservation, physicochemical variation, residue mobility, and thermodynamic stability) indicates that this missense variant is not expected to disrupt RECQL4 protein function with a negative predictive value of 80%. In summary, the available evidence is currently insufficient to determine the role of this variant in disease. Therefore, it has been classified as a Variant of Uncertain Significance.

NM_004260.4(RECQL4):c.1951G>A (p.Asp651Asn)

Gene: RECQL4 (RecQ like helicase 4; minus strand). Cytogenetic location: 8q24.3.
Variant type: single nucleotide variant.
Coding change: c.1951G>A on transcript NM_004260.4 (MANE Select); coding-DNA position 1951, G replaced by A.
Protein change: p.Asp651Asn; replaces aspartic acid 651 with asparagine.
Molecular consequence: missense variant.
Genome position (GRCh38, 1-based): chr8:144,514,035, C>T on the plus strand (G>A on the coding strand, the complement: RECQL4 is on the minus strand). VCF-style: chr8-144514035-C-T. GRCh37 (hg19) VCF-style: chr8-145739419-C-T.
Other names: c.1951G>A (NM_004260.3); c.1855G>A, p.Asp619Asn (NM_001413017.1, NM_001413020.1); c.1951G>A, p.Asp651Asn (NM_001413018.1, NM_001413019.1, NM_001413036.1); c.880G>A, p.Asp294Asn (NM_001413021.1, NM_001413022.1, NM_001413023.1 and 6 more transcripts); c.1822G>A, p.Asp608Asn (NM_001413025.1); c.814G>A, p.Asp272Asn (NM_001413027.1, NM_001413030.1, NM_001413032.1 and 1 more transcripts); c.1600G>A, p.Asp534Asn (NM_001413029.1); c.682G>A, p.Asp228Asn (NM_001413031.1); and 5 more; short protein forms D250N, D619N, D651N, D284N, D272N, D607N, D608N, D641N.
Identifiers: ClinVar variation 2138784 (VCV002138784.5), dbSNP rs2130691678, ClinGen allele CA372680430.
Genomic context (GRCh38, chr8:144,514,035, plus strand): 5'-GAACTGGGGCTGGCCCGTGGAGGTCAGGCTCTTCAGCCACAGCCAGGTGCTGTGCCACGT[C>T]ACTGGCAGTGCGGCGTGTGGCTGTGGCTGTGAGGCCCAGGAAGCAGTGCACGCCCATGCG-3'
Protein context (NP_004251.4, residues 641-661): TATATRRTAS[Asp651Asn]VAQHLAVAEE